The following is an entry in ClinVar:

NM_000203.5(IDUA):c.1525-3dup

Gene: IDUA (alpha-L-iduronidase; plus strand). Cytogenetic location: 4p16.3.
Variant type: Duplication.
Coding change: c.1525-3dup on transcript NM_000203.5 (MANE Select); 3 bases into the intron before coding-DNA position 1525, one base duplicated (C; older notation c.1525-3dupC).
Molecular consequence: intron variant.
Genome position (GRCh38, 1-based): chr4:1,003,342, C duplicated; the last of 3 consecutive C bases (chr4:1,003,340-1,003,342); duplicating any one gives the same sequence. VCF-style (leftmost placement, unchanged base first): chr4-1003339-G-GC. GRCh37 (hg19) VCF-style: chr4-997127-G-GC.
Other names: c.1129-3dup (NM_001363576.1); c.1525-3dupC (NM_000203.5, NM_000203.3).
Identifiers: ClinVar variation 546196 (VCV000546196.15), dbSNP rs762593235, ClinGen allele CA2802299.

ClinVar aggregate classification (germline): Conflicting classifications of pathogenicity. Review status: criteria provided, conflicting classifications (1 of 4 stars). 4 submissions from 4 submitters: Uncertain significance (1); Likely benign (2). 1 of the submissions does not count toward it. Last evaluated 2025-12-30.

Conditions:
Mucopolysaccharidosis type 1. Also called: Mucopolysaccharidosis Type I; IDUA deficiency; MPS I. Identifiers: Orphanet 579, MedGen C0023786, MONDO:0001586.

Submissions (4):

Labcorp Genetics (formerly Invitae), Labcorp
Classification: Likely benign for Mucopolysaccharidosis type 1. Last evaluated: 2025-12-30. Review status: criteria provided, single submitter. Criteria: Invitae Variant Classification Sherloc (09022015). Collection method: clinical testing. Allele origin: germline.

Blueprint Genetics
Classification: Likely benign. Last evaluated: 2022-12-16. Review status: criteria provided, single submitter. Criteria: ACMG Guidelines, 2015. Collection method: clinical testing. Allele origin: germline.

GeneDx
Classification: Uncertain significance. Last evaluated: 2018-05-11. Review status: criteria provided, single submitter. Criteria: GeneDx Variant Classification (06012015). Collection method: clinical testing. Allele origin: germline. Affected: yes.
Comment: The c.1525-3dupC variant in the IDUA gene has not been reported previously as a pathogenic variant nor as a benign variant, to our knowledge. The c.1525-3dupC variant results in the duplication of one nucleotide at the intron 10/exon 11 boundary. Although this variant may reduce the quality of the splice acceptor site in intron 10, splice prediction algorithms are inconclusive about the effect of this deletion on splicing. In the absence of RNA/functional studies, the actual effect of c.1525-3dupC in this individual is unknown. The c.1525-3dupC variant is observed in 1/5,236 (0.02%) alleles from individuals of Ashkenazi Jewish background and in 5/65,772 (0.008%) total alleles in large population cohorts (Lek et al., 2016).] We interpret c.1525-3dupC as a variant of uncertain significance.

Natera, Inc.
Classification: Uncertain significance for Mucopolysaccharidosis type I. Last evaluated: 2020-01-17. Review status: no assertion criteria provided. Collection method: clinical testing. Allele origin: germline. Not counted in ClinVar's aggregate classification.